The following is an entry in ClinVar:

NM_000081.4(LYST):c.2170A>G (p.Ile724Val)

Gene: LYST (lysosomal trafficking regulator; minus strand). Cytogenetic location: 1q42.3.
Variant type: single nucleotide variant.
Coding change: c.2170A>G on transcript NM_000081.4 (MANE Select); coding-DNA position 2170, A replaced by G.
Protein change: p.Ile724Val; replaces isoleucine 724 with valine.
Molecular consequence: missense variant.
Genome position (GRCh38, 1-based): chr1:235,808,648, T>C on the plus strand (A>G on the coding strand, the complement: LYST is on the minus strand). VCF-style: chr1-235808648-T-C. GRCh37 (hg19) VCF-style: chr1-235971948-T-C.
Other names: c.2170A>G, p.Ile724Val (NM_001301365.1); short protein forms I724V.
Identifiers: ClinVar variation 1519338 (VCV001519338.3), dbSNP rs759980441, ClinGen allele CA1467346.

ClinVar aggregate classification (germline): Uncertain significance (1 of 4 stars; one submission).

Conditions:
Chédiak-Higashi syndrome (CHS). Also called: Chediak-Higashi Syndrome. Identifiers: Orphanet 167, MedGen C0007965, MONDO:0008963, OMIM 214500.

Allele frequency attached by ClinVar (database versions not stated): ExAC 0.00004; gnomAD exomes 0.00002.

Submission:

Labcorp Genetics (formerly Invitae), Labcorp
Classification: Uncertain significance for Chédiak-Higashi syndrome. Last evaluated: 2022-06-26. Review status: criteria provided, single submitter. Criteria: Invitae Variant Classification Sherloc (09022015). Collection method: clinical testing. Allele origin: germline.
Comment: This sequence change replaces isoleucine, which is neutral and non-polar, with valine, which is neutral and non-polar, at codon 724 of the LYST protein (p.Ile724Val). This variant is present in population databases (rs759980441, gnomAD 0.02%). This missense change has been observed in individual(s) with hemophagocytic lymphohistiocytosis (PMID: 30899265). Algorithms developed to predict the effect of missense changes on protein structure and function output the following: SIFT: "Tolerated"; PolyPhen-2: "Benign"; Align-GVGD: "Class C0". The valine amino acid residue is found in multiple mammalian species, which suggests that this missense change does not adversely affect protein function. In summary, the available evidence is currently insufficient to determine the role of this variant in disease. Therefore, it has been classified as a Variant of Uncertain Significance.

Literature cited by the submitters: PubMed 30899265.